The following is an entry in ClinVar:

NM_000321.3(RB1):c.584G>A (p.Trp195Ter)

Gene: RB1 (RB transcriptional corepressor 1; plus strand). Cytogenetic location: 13q14.2.
Variant type: single nucleotide variant.
Coding change: c.584G>A on transcript NM_000321.3 (MANE Select); coding-DNA position 584, G replaced by A.
Protein change: p.Trp195Ter; replaces tryptophan 195 with a stop codon.
Molecular consequence: nonsense.
Genome position (GRCh38, 1-based): chr13:48,349,000, G>A. VCF-style: chr13-48349000-G-A. GRCh37 (hg19) VCF-style: chr13-48923136-G-A.
Other names: c.584G>A, p.Trp195Ter (NM_001407165.1, NM_001407166.1); short protein forms W195*.
Identifiers: ClinVar variation 3338798 (VCV003338798.1).
Genomic context (GRCh38, chr13:48,349,000, plus strand): 5'-TCTATTTGTTTAATAGGATATCTACTGAAATAAATTCTGCATTGGTGCTAAAAGTTTCTT[G>A]GATCACATTTTTATTAGCTAAAGGTAAGTTCATTATATTTATTAAATGCTAATATTTCAA-3'

ClinVar aggregate classification (germline): Pathogenic (1 of 4 stars; one submission).

Submission:

GeneDx
Classification: Pathogenic. Last evaluated: 2024-02-12. Review status: criteria provided, single submitter. Criteria: GeneDx Variant Classification Process June 2021. Collection method: clinical testing. Allele origin: germline. Affected: yes.
Comment: Nonsense variant predicted to result in protein truncation or nonsense mediated decay in a gene for which loss of function is a known mechanism of disease; Not observed at significant frequency in large population cohorts (gnomAD); This variant is associated with the following publications: (PMID: 25525159, 28780672, 33981751, 12541220)